The following is an entry in ClinVar:

ClinVar aggregate classification (germline): Uncertain significance (1 of 4 stars; one submission).

Conditions:
Arrhythmogenic cardiomyopathy with wooly hair and keratoderma. Also called: PALMOPLANTAR KERATODERMA WITH LEFT VENTRICULAR CARDIOMYOPATHY AND WOOLLY HAIR; Carvajal syndrome; Arrhythmogenic cardiomyopathy with woolly hair and keratoderma; Dilated cardiomyopathy with woolly hair and keratoderma. Identifiers: Orphanet 65282, MedGen C1854063, MONDO:0011581, OMIM 605676.
Arrhythmogenic right ventricular dysplasia 8 (ARVD8). Also called: ARRHYTHMOGENIC RIGHT VENTRICULAR DYSPLASIA, FAMILIAL, 8; ARRHYTHMOGENIC RIGHT VENTRICULAR CARDIOMYOPATHY 8; Arrhythmogenic Right Ventricular Dysplasia/Cardiomyopathy 8. Identifiers: MedGen C1843896, MONDO:0011831, OMIM 607450.

Submission:

Labcorp Genetics (formerly Invitae), Labcorp
Classification: Uncertain significance for Arrhythmogenic cardiomyopathy with wooly hair and keratoderma; Arrhythmogenic right ventricular dysplasia 8. Last evaluated: 2022-03-29. Review status: criteria provided, single submitter. Criteria: Invitae Variant Classification Sherloc (09022015). Collection method: clinical testing. Allele origin: germline.
Comment: This sequence change replaces aspartic acid, which is acidic and polar, with histidine, which is basic and polar, at codon 2796 of the DSP protein (p.Asp2796His). This variant is not present in population databases (gnomAD no frequency). This variant has not been reported in the literature in individuals affected with DSP-related conditions. Algorithms developed to predict the effect of missense changes on protein structure and function are either unavailable or do not agree on the potential impact of this missense change (SIFT: "Deleterious"; PolyPhen-2: "Probably Damaging"; Align-GVGD: "Class C0"). In summary, the available evidence is currently insufficient to determine the role of this variant in disease. Therefore, it has been classified as a Variant of Uncertain Significance.

NM_004415.4(DSP):c.8386G>C (p.Asp2796His)

Gene: DSP (desmoplakin; plus strand). Cytogenetic location: 6p24.3.
Variant type: single nucleotide variant.
Coding change: c.8386G>C on transcript NM_004415.4 (MANE Select); coding-DNA position 8386, G replaced by C.
Protein change: p.Asp2796His; replaces aspartic acid 2796 with histidine.
Molecular consequence: missense variant.
Genome position (GRCh38, 1-based): chr6:7,585,648, G>C. VCF-style: chr6-7585648-G-C. GRCh37 (hg19) VCF-style: chr6-7585881-G-C.
Other names: c.6589G>C, p.Asp2197His (NM_001008844.3); c.7057G>C, p.Asp2353His (NM_001319034.2); short protein forms D2353H, D2796H, D2197H.
Identifiers: ClinVar variation 1984975 (VCV001984975.4), dbSNP rs943247894, ClinGen allele CA362695050.